The following is an entry in ClinVar:

NM_024675.4(PALB2):c.38A>C (p.Glu13Ala)

Gene: PALB2 (partner and localizer of BRCA2; minus strand). Cytogenetic location: 16p12.2.
Variant type: single nucleotide variant.
Coding change: c.38A>C on transcript NM_024675.4 (MANE Select); coding-DNA position 38, A replaced by C.
Protein change: p.Glu13Ala; replaces glutamic acid 13 with alanine.
Molecular consequence: missense variant.
Genome position (GRCh38, 1-based): chr16:23,641,120, T>G on the plus strand (A>C on the coding strand, the complement: PALB2 is on the minus strand). VCF-style: chr16-23641120-T-G. GRCh37 (hg19) VCF-style: chr16-23652441-T-G.
Other names: short protein forms E13A.
Identifiers: ClinVar variation 490086 (VCV000490086.5), dbSNP rs876658288, ClinGen allele CA395141053.

ClinVar aggregate classification (germline): Uncertain significance (1 of 4 stars; one submission).

Conditions:
Hereditary cancer-predisposing syndrome. Also called: Hereditary Cancer Syndrome; Neoplastic Syndromes, Hereditary; Tumor predisposition; Hereditary neoplastic syndrome. Identifiers: Orphanet 140162, MedGen C0027672, MeSH D009386, MONDO:0015356.

Submission:

Color Diagnostics, LLC DBA Color Health
Classification: Uncertain significance for Hereditary cancer-predisposing syndrome. Last evaluated: 2023-12-05. Review status: criteria provided, single submitter. Criteria: ACMG Guidelines, 2015. Collection method: clinical testing. Allele origin: germline.
Comment: This missense variant replaces glutamic acid with alanine at codon 13 of the PALB2 protein. Computational prediction suggests that this variant may not impact protein structure and function (internally defined REVEL score threshold <= 0.5, PMID: 27666373). To our knowledge, functional studies have not been reported for this variant. This variant has not been reported in individuals affected with PALB2-related disorders in the literature. This variant has not been identified in the general population by the Genome Aggregation Database (gnomAD). The available evidence is insufficient to determine the role of this variant in disease conclusively. Therefore, this variant is classified as a Variant of Uncertain Significance.